The following is an entry in ClinVar:

ClinVar aggregate classification (germline): Pathogenic. Review status: criteria provided, multiple submitters, no conflicts (2 of 4 stars). 9 submissions from 9 submitters: Pathogenic (6). 3 of the submissions do not count toward it. Last evaluated 2025-09-15.

Conditions:
Congenital lipoid adrenal hyperplasia due to STAR deficency. Also called: ADRENAL HYPERPLASIA I; Congenital Lipoid Adrenal Hyperplasia; Cholesterol monooxygenase (side-chain cleaving) deficiency; Lipoid adrenal hyperplasia. Identifiers: Orphanet 418, Orphanet 90790, MedGen C0342474, MONDO:0008725, OMIM 201710.

Allele frequency attached by ClinVar (database versions not stated): gnomAD exomes 0.00003 and 0.00005; ExAC 0.00017; TOPMed below 0.00001.
gnomAD v4.1: 38 of 1,605,506 alleles (0.0024%); highest among the groups gnomAD compares: East Asian, 0.083%; no homozygotes.

Submissions (9):

Natera, Inc.
Classification: Pathogenic for Congenital lipoid adrenal hyperplasia. Last evaluated: 2025-09-15. Review status: criteria provided, single submitter. Criteria: Natera Variant Classification Schema (03/2026). Collection method: clinical testing. Allele origin: germline.
Comment: The c.772C>T variant in STAR is a nonsense variant predicted to introduce a stop codon at amino acid 258. This variant is expected to result in nonsense mediated decay, truncation, or a dysfunctional protein product. This variant is rare in the general population with a frequency below the threshold expected for the associated phenotype(s). This variant has been observed in one or more individuals affected with the associated recessive disease, as either homozygous or compound heterozygous with a second variant (PMID: 28467518). Given the available evidence, this variant is classified as Pathogenic.

Labcorp Genetics (formerly Invitae), Labcorp
Classification: Pathogenic. Last evaluated: 2025-08-11. Review status: criteria provided, single submitter. Criteria: Invitae Variant Classification Sherloc (09022015). Collection method: clinical testing. Allele origin: germline.
Comment: This sequence change creates a premature translational stop signal (p.Gln258*) in the STAR gene. While this is not anticipated to result in nonsense mediated decay, it is expected to disrupt the last 28 amino acid(s) of the STAR protein. This variant is present in population databases (rs104894085, gnomAD 0.07%). This premature translational stop signal has been observed in individuals with lipoid adrenal hyperplasia (PMID: 8948562, 9097960, 22028173, 28467518). It has also been observed to segregate with disease in related individuals. ClinVar contains an entry for this variant (Variation ID: 8987). Algorithms developed to predict the effect of sequence changes on RNA splicing suggest that this variant may disrupt the consensus splice site. For these reasons, this variant has been classified as Pathogenic.

Fulgent Genetics
Classification: Pathogenic for Congenital lipoid adrenal hyperplasia due to STAR deficency. Last evaluated: 2024-04-10. Review status: criteria provided, single submitter. Criteria: ACMG Guidelines, 2015. Collection method: clinical testing. Allele origin: germline.

Women's Health and Genetics/Laboratory Corporation of America, LabCorp
Classification: Pathogenic for Congenital lipoid adrenal hyperplasia due to STAR deficency. Last evaluated: 2022-04-27. Review status: criteria provided, single submitter. Criteria: LabCorp Variant Classification Summary - May 2015. Collection method: clinical testing. Allele origin: germline.
Comment: Variant summary: STAR c.772C>T (p.Gln258X) results in a premature termination codon, predicted to cause a truncation of the encoded protein or absence of the protein due to nonsense mediated decay, which are commonly known mechanisms for disease. The variant allele was found at a frequency of 4.7e-05 in 233372 control chromosomes (gnomAD), predominantly at a frequency of 0.00063 within the East Asian subpopulation in the gnomAD database. This frequency is not higher than expected for a pathogenic variant in STAR causing Congenital Lipoid Adrenal Hyperplasia (4.7e-05 vs 0.0035), allowing no conclusion about variant significance. c.772C>T has been reported in the literature in several homozygous and compound heterozygous individuals affected with Congenital Lipoid Adrenal Hyperplasia (e.g.Katsumata_1997, Nakae_1997, Amano_2017, Kang_2017), predominantly in those of East Asian ancestry, with evidence of a founder effect especially in Korean and Japanese populations (Amano_2017, Kang_2017). These data indicate that the variant is very likely to be associated with disease. When the variant was transfected into COS-1 cells, it did not magnify pregnenolone production like wildtype STAR protein; instead, the variant had the same activity as empty vector (Nakae_1997). Seperately, the variant was found incapable of interacting with binding partner SBP (StAR binding protein, Sugawara_2003). Five ClinVar submitters have assessed the variant since 2014: all classified the variant as pathogenic. Based on the evidence outlined above, the variant was classified as pathogenic.

Soonchunhyang University Bucheon Hospital, Soonchunhyang University Medical Center
Classification: Pathogenic for Congenital lipoid adrenal hyperplasia due to STAR deficency. Last evaluated: 2016-03-18. Review status: criteria provided, single submitter. Criteria: ACMG Guidelines, 2015. Collection method: reference population. Allele origin: germline. Observed: 1 variant allele.

Juno Genomics, Hangzhou Juno Genomics, Inc
Classification: Pathogenic for Congenital lipoid adrenal hyperplasia due to STAR deficency. Review status: criteria provided, single submitter. Criteria: ACMG Guidelines, 2015. Collection method: clinical testing. Allele origin: germline. Affected: yes.
Comment: Absent from controls (or at extremely low frequency if recessive) in Genome Aggregation Database, Exome Sequencing Project, 1000 Genomes Project, or Exome Aggregation Consortium.;For recessive disorders, detected in trans with a pathogenic variant.;Null variant in a gene where loss of function (LOF) is a known mechanism of disease.

Department of Reproductive Genetics, International Peace Maternity and Child Health Hospital, Shanghai Jiao Tong University School of Medicine
Classification: Pathogenic for Lipoid congenital adrenal hyperplasia. Last evaluated: 2025-05-01. Review status: no assertion criteria provided. Collection method: clinical testing. Allele origin: inherited. Affected: yes. Not counted in ClinVar's aggregate classification.
Comment: The variant in the STAR gene introduces a premature stop codon at amino acid position 258 (p.Gln258*), resulting in a truncated protein that lacks the final 28 amino acids.This variant (rs104894085) has been reported as Pathogenic in ClinVar (Variation ID: 8987) and has been described in multiple individuals with lipoid congenital adrenal hyperplasia (LCAH).

Counsyl
Classification: Pathogenic for Congenital lipoid adrenal hyperplasia due to STAR deficency. Last evaluated: 2017-06-19. Review status: no assertion criteria provided. Collection method: clinical testing. Allele origin: unknown. Not counted in ClinVar's aggregate classification.

OMIM
Classification: Pathogenic for LIPOID CONGENITAL ADRENAL HYPERPLASIA. Last evaluated: 2000-10-01. Review status: no assertion criteria provided. Collection method: literature only. Allele origin: germline. Not counted in ClinVar's aggregate classification.

Literature cited by the submitters: PubMed 28467518 (cited by 4 submitters); PubMed 8948562 (cited by 3 submitters); PubMed 9097960 (cited by 3 submitters); PubMed 22028173 (cited by Labcorp Genetics (formerly Invitae), Labcorp and Department of Reproductive Genetics, International Peace Maternity and Child Health Hospital, Shanghai Jiao Tong University School of Medicine); PubMed 9279522 (cited by Women's Health and Genetics/Laboratory Corporation of America, LabCorp); PubMed 28546232 (cited by Women's Health and Genetics/Laboratory Corporation of America, LabCorp); PubMed 12909641 (cited by Women's Health and Genetics/Laboratory Corporation of America, LabCorp); PubMed 36733346 (cited by Department of Reproductive Genetics, International Peace Maternity and Child Health Hospital, Shanghai Jiao Tong University School of Medicine); PubMed 26827627 (cited by Department of Reproductive Genetics, International Peace Maternity and Child Health Hospital, Shanghai Jiao Tong University School of Medicine); PubMed 36407315 (cited by Department of Reproductive Genetics, International Peace Maternity and Child Health Hospital, Shanghai Jiao Tong University School of Medicine); PubMed 33227378 (cited by Department of Reproductive Genetics, International Peace Maternity and Child Health Hospital, Shanghai Jiao Tong University School of Medicine); PubMed 21846663 (cited by Department of Reproductive Genetics, International Peace Maternity and Child Health Hospital, Shanghai Jiao Tong University School of Medicine and Counsyl); PubMed 7892608 (cited by Counsyl and OMIM); PubMed 11061515 (cited by OMIM).

NM_000349.3(STAR):c.772C>T (p.Gln258Ter)

Gene: STAR (steroidogenic acute regulatory protein; minus strand). Cytogenetic location: 8p11.23.
Variant type: single nucleotide variant.
Coding change: c.772C>T on transcript NM_000349.3 (MANE Select); coding-DNA position 772, C replaced by T.
Protein change: p.Gln258Ter; replaces glutamine 258 with a stop codon.
Molecular consequence: nonsense.
Genome position (GRCh38, 1-based): chr8:38,144,359, G>A on the plus strand (C>T on the coding strand, the complement: STAR is on the minus strand). VCF-style: chr8-38144359-G-A. GRCh37 (hg19) VCF-style: chr8-38001877-G-A.
Other names: short protein forms Q258*.
Identifiers: ClinVar variation 8987 (VCV000008987.22), dbSNP rs104894085, ClinGen allele CA120034.